The following is an entry in ClinVar:

NM_002253.4(KDR):c.3487C>T (p.Leu1163Phe)

Gene: KDR (kinase insert domain receptor; minus strand). Cytogenetic location: 4q12.
Variant type: single nucleotide variant.
Coding change: c.3487C>T on transcript NM_002253.4 (MANE Select); coding-DNA position 3487, C replaced by T.
Protein change: p.Leu1163Phe; replaces leucine 1163 with phenylalanine.
Molecular consequence: missense variant.
Genome position (GRCh38, 1-based): chr4:55,088,891, G>A on the plus strand (C>T on the coding strand, the complement: KDR is on the minus strand). VCF-style: chr4-55088891-G-A. GRCh37 (hg19) VCF-style: chr4-55955058-G-A.
Other names: KT253192; short protein forms L1163F.
Identifiers: ClinVar variation 204338 (VCV000204338.3), dbSNP rs761176323, ClinGen allele CA251270.

ClinVar aggregate classification (germline): Uncertain significance (0 of 4 stars; one submission).

Conditions:
Carcinoma of colon (CRC). Also called: Colonic carcinoma; Colon carcinoma. Identifiers: MedGen C0699790, MONDO:0002032.

Allele frequency attached by ClinVar (database versions not stated): gnomAD exomes below 0.00001; ExAC 0.00001.

Submission:

Immunobiology Lab; University of Kashmir
Classification: Uncertain significance for Carcinoma of colon. Last evaluated: 2015-01-24. Review status: no assertion criteria provided. Collection method: case-control. Allele origin: somatic. Affected: yes. Study: Mutational Hotspot profiling of Tyrosine Kinase domain of VEGF receptors in Human colorectal tumors.
Comment: The variation(s) were confirmed by double pass sequencing of PCR products amplified from genomic DNA of colonic lesions fron colorectal patients